The following is an entry in ClinVar:

NM_020203.6(MEPE):c.365G>A (p.Gly122Glu)

Genes: MEPE (matrix extracellular phosphoglycoprotein; plus strand), MEPE-AS1 (MEPE and IBSP antisense RNA 1; minus strand). Cytogenetic location: 4q22.1.
Variant type: single nucleotide variant.
Coding change: c.365G>A on transcript NM_020203.6 (MANE Select); coding-DNA position 365, G replaced by A.
Protein change: p.Gly122Glu; replaces glycine 122 with glutamic acid.
Molecular consequence: missense variant.
Genome position (GRCh38, 1-based): chr4:87,845,233, G>A. VCF-style: chr4-87845233-G-A. GRCh37 (hg19) VCF-style: chr4-88766385-G-A.
Other names: c.365G>A, p.Gly122Glu (NM_001184694.3); c.26G>A, p.Gly9Glu (NM_001184695.4, NM_001184696.2, NM_001184697.2); c.458G>A, p.Gly153Glu (NM_001291183.2); c.365G>A (NM_001184694.1); short protein forms G122E, G153E, G9E.
Identifiers: ClinVar variation 2629327 (VCV002629327.2), dbSNP rs754696980, ClinGen allele CA3002643.

ClinVar aggregate classification (germline): Uncertain significance. Review status: criteria provided, multiple submitters, no conflicts (2 of 4 stars). 2 submissions from 2 submitters: Uncertain significance (2). Last evaluated 2025-11-12.

Conditions:
MEPE-related disorder. Also called: MEPE-related condition.

Allele frequency attached by ClinVar (database versions not stated): gnomAD exomes 0.00001; ExAC 0.00002; gnomAD 0.00007; TOPMed 0.00011.
gnomAD v4.1: 22 of 1,613,858 alleles (0.0014%); highest among the groups gnomAD compares: African/African-American, 0.028%; no homozygotes.

Submissions (2):

Ambry Genetics
Classification: Uncertain significance. Last evaluated: 2025-11-12. Review status: criteria provided, single submitter. Criteria: Ambry Variant Classification Scheme 2023. Collection method: clinical testing. Allele origin: germline.

PreventionGenetics, part of Exact Sciences
Classification: Uncertain significance for MEPE-related condition. Last evaluated: 2022-11-01. Review status: criteria provided, single submitter. Criteria: ACMG Guidelines, 2015. Collection method: clinical testing. Allele origin: germline.
Comment: The MEPE c.458G>A variant is predicted to result in the amino acid substitution p.Gly153Glu. To our knowledge, this variant has not been reported in the literature. This variant is reported in 0.032% of alleles in individuals of African descent in gnomAD. At this time, the clinical significance of this variant is uncertain due to the absence of conclusive functional and genetic evidence.